The following is an entry in ClinVar:

NM_030962.4(SBF2):c.1862A>G (p.Asp621Gly)

Genes: SBF2 (SET binding factor 2; minus strand), LOC101928008 (uncharacterized LOC101928008; plus strand). Cytogenetic location: 11p15.4.
Variant type: single nucleotide variant.
Coding change: c.1862A>G on transcript NM_030962.4 (MANE Select); coding-DNA position 1862, A replaced by G.
Protein change: p.Asp621Gly; replaces aspartic acid 621 with glycine.
Molecular consequence: missense variant.
Genome position (GRCh38, 1-based): chr11:9,896,010, T>C on the plus strand (A>G on the coding strand, the complement: SBF2 is on the minus strand). VCF-style: chr11-9896010-T-C. GRCh37 (hg19) VCF-style: chr11-9917557-T-C.
Other names: c.1862A>G, p.Asp621Gly (NM_001386339.1); c.1733A>G, p.Asp578Gly (NM_001386342.1); c.1862A>G (NM_030962.3); short protein forms D621G, D578G.
Identifiers: ClinVar variation 1450215 (VCV001450215.6), dbSNP rs765204789, ClinGen allele CA5881702.

ClinVar aggregate classification (germline): Uncertain significance. Review status: criteria provided, multiple submitters, no conflicts (2 of 4 stars). 2 submissions from 2 submitters: Uncertain significance (2). Last evaluated 2026-07-19.

Conditions:
SBF2-related disorder. Also called: SBF2-related condition.
Charcot-Marie-Tooth disease type 4. Also called: Charcot-Marie-Tooth disease, type IV; Charcot-Marie-Tooth, Type 4. Identifiers: Orphanet 64749, MedGen C4082197, MONDO:0018995.

Allele frequency attached by ClinVar (database versions not stated): gnomAD exomes below 0.00001; ExAC 0.00001.
gnomAD v4.1: 7 of 1,611,968 alleles (0.00043%); highest among the groups gnomAD compares: East Asian, 0.0022%; no homozygotes.

Submissions (2):

PreventionGenetics, part of Exact Sciences
Classification: Uncertain significance for SBF2-related condition. Last evaluated: 2026-07-19. Review status: criteria provided, single submitter. Criteria: ACMG Guidelines, 2015. Collection method: clinical testing. Allele origin: germline.
Comment: The SBF2 c.1862A>G variant is predicted to result in the amino acid substitution p.Asp621Gly. To our knowledge, this variant has not been reported in the literature. This variant is reported in 0.00088% of alleles in individuals of European (Non-Finnish) descent in gnomAD. At this time, the clinical significance of this variant is uncertain due to the absence of conclusive functional and genetic evidence.

Labcorp Genetics (formerly Invitae), Labcorp
Classification: Uncertain significance for Charcot-Marie-Tooth disease type 4. Last evaluated: 2021-08-31. Review status: criteria provided, single submitter. Criteria: Invitae Variant Classification Sherloc (09022015). Collection method: clinical testing. Allele origin: germline.
Comment: This sequence change replaces aspartic acid with glycine at codon 621 of the SBF2 protein (p.Asp621Gly). The aspartic acid residue is highly conserved and there is a moderate physicochemical difference between aspartic acid and glycine. This variant is present in population databases (rs765204789, ExAC 0.001%). This variant has not been reported in the literature in individuals affected with SBF2-related conditions. Algorithms developed to predict the effect of missense changes on protein structure and function are either unavailable or do not agree on the potential impact of this missense change (SIFT: "Tolerated"; PolyPhen-2: "Probably Damaging"; Align-GVGD: "Class C0"). In summary, the available evidence is currently insufficient to determine the role of this variant in disease. Therefore, it has been classified as a Variant of Uncertain Significance.